The following is an entry in ClinVar:

NM_005257.6(GATA6):c.454G>T (p.Ala152Ser)

Gene: GATA6 (GATA binding protein 6; plus strand). Cytogenetic location: 18q11.2.
Variant type: single nucleotide variant.
Coding change: c.454G>T on transcript NM_005257.6 (MANE Select); coding-DNA position 454, G replaced by T.
Protein change: p.Ala152Ser; replaces alanine 152 with serine.
Molecular consequence: missense variant.
Genome position (GRCh38, 1-based): chr18:22,171,598, G>T. VCF-style: chr18-22171598-G-T. GRCh37 (hg19) VCF-style: chr18-19751559-G-T.
Other names: short protein forms A152S.
Identifiers: ClinVar variation 2864542 (VCV002864542.3), dbSNP rs1239432452, ClinGen allele CA401799704.

ClinVar aggregate classification (germline): Uncertain significance (1 of 4 stars; one submission).

Conditions:
Atrioventricular septal defect 5 (AVSD5). Identifiers: MedGen C3280939, MONDO:0013769, OMIM 614474.

Allele frequency attached by ClinVar (database versions not stated): gnomAD exomes below 0.00001; TOPMed below 0.00001; gnomAD 0.00001.
gnomAD v4.1: 2 of 1,600,832 alleles (0.00012%); highest among the groups gnomAD compares: Admixed American, 0.0033%; no homozygotes.

Submission:

Labcorp Genetics (formerly Invitae), Labcorp
Classification: Uncertain significance for Atrioventricular septal defect 5. Last evaluated: 2023-11-15. Review status: criteria provided, single submitter. Criteria: Invitae Variant Classification Sherloc (09022015). Collection method: clinical testing. Allele origin: germline.
Comment: This sequence change replaces alanine, which is neutral and non-polar, with serine, which is neutral and polar, at codon 152 of the GATA6 protein (p.Ala152Ser). The frequency data for this variant in the population databases is considered unreliable, as metrics indicate poor data quality at this position in the gnomAD database. This variant has not been reported in the literature in individuals affected with GATA6-related conditions. Advanced modeling of protein sequence and biophysical properties (such as structural, functional, and spatial information, amino acid conservation, physicochemical variation, residue mobility, and thermodynamic stability) performed at Invitae indicates that this missense variant is not expected to disrupt GATA6 protein function with a negative predictive value of 80%. In summary, the available evidence is currently insufficient to determine the role of this variant in disease. Therefore, it has been classified as a Variant of Uncertain Significance.